The following is an entry in ClinVar:

NM_003718.5(CDK13):c.144C>T (p.Leu48=)

Gene: CDK13 (cyclin dependent kinase 13; plus strand). Cytogenetic location: 7p14.1.
Variant type: single nucleotide variant.
Coding change: c.144C>T on transcript NM_003718.5 (MANE Select); coding-DNA position 144, C replaced by T.
Protein change: p.Leu48=; no amino-acid change (leucine 48 retained).
Molecular consequence: synonymous variant.
Genome position (GRCh38, 1-based): chr7:39,950,785, C>T. VCF-style: chr7-39950785-C-T. GRCh37 (hg19) VCF-style: chr7-39990384-C-T.
Other names: c.144C>T, p.Leu48= (NM_031267.4).
Identifiers: ClinVar variation 2056869 (VCV002056869.29), dbSNP rs992749182, ClinGen allele CA157707114.

ClinVar aggregate classification (germline): Likely benign. Review status: criteria provided, multiple submitters, no conflicts (2 of 4 stars). 3 submissions from 3 submitters: Likely benign (3). Last evaluated 2025-10-02.

Allele frequency attached by ClinVar (database versions not stated): TOPMed 0.00005; gnomAD 0.00006.
gnomAD v4.1: 66 of 1,468,882 alleles (0.0045%); highest among the groups gnomAD compares: Non-Finnish European, 0.0055%; no homozygotes.

Submissions (3):

Labcorp Genetics (formerly Invitae), Labcorp
Classification: Likely benign. Last evaluated: 2025-10-02. Review status: criteria provided, single submitter. Criteria: Invitae Variant Classification Sherloc (09022015). Collection method: clinical testing. Allele origin: germline.

Blueprint Genetics
Classification: Likely benign. Last evaluated: 2024-09-16. Review status: criteria provided, single submitter. Criteria: ACMG Guidelines, 2015. Collection method: clinical testing. Allele origin: germline.

CeGaT Center for Human Genetics Tuebingen
Classification: Likely benign. Last evaluated: 2022-08-01. Review status: criteria provided, single submitter. Criteria: CeGaT Center For Human Genetics Tuebingen Variant Classification Criteria Version 2. Collection method: clinical testing. Allele origin: germline. Affected: yes. Observed: 1 variant allele.
Comment: CDK13: BP4, BP7